The following is an entry in ClinVar:

NM_001077653.2(TBX20):c.1138C>T (p.Pro380Ser)

Gene: TBX20 (T-box transcription factor 20; minus strand). Cytogenetic location: 7p14.2.
Variant type: single nucleotide variant.
Coding change: c.1138C>T on transcript NM_001077653.2 (MANE Select); coding-DNA position 1138, C replaced by T.
Protein change: p.Pro380Ser; replaces proline 380 with serine.
Molecular consequence: missense variant.
Genome position (GRCh38, 1-based): chr7:35,202,636, G>A on the plus strand (C>T on the coding strand, the complement: TBX20 is on the minus strand). VCF-style: chr7-35202636-G-A. GRCh37 (hg19) VCF-style: chr7-35242248-G-A.
Other names: short protein forms P380S.
Identifiers: ClinVar variation 1730341 (VCV001730341.2), dbSNP rs2546980939, ClinGen allele CA367263134.

ClinVar aggregate classification (germline): Uncertain significance (1 of 4 stars; one submission).

Conditions:
Cardiovascular phenotype. Identifiers: MedGen CN230736.

Submission:

Ambry Genetics
Classification: Uncertain significance for Cardiovascular phenotype. Last evaluated: 2021-09-30. Review status: criteria provided, single submitter. Criteria: Ambry Variant Classification Scheme 2023. Collection method: clinical testing. Allele origin: germline.
Comment: The p.P380S variant (also known as c.1138C>T), located in coding exon 8 of the TBX20 gene, results from a C to T substitution at nucleotide position 1138. The proline at codon 380 is replaced by serine, an amino acid with similar properties. This amino acid position is conserved. In addition, the in silico prediction for this alteration is inconclusive. Since supporting evidence is limited at this time, the clinical significance of this alteration remains unclear.